The following is an entry in ClinVar:

ClinVar aggregate classification (germline): Uncertain significance. Review status: criteria provided, multiple submitters, no conflicts (2 of 4 stars). 2 submissions from 2 submitters: Uncertain significance (2). Last evaluated 2025-12-21.

Conditions:
Inborn genetic diseases. Identifiers: MedGen C0950123, MeSH D030342.
Multiple acyl-CoA dehydrogenase deficiency (MADD). Also called: Glutaric aciduria, type 2; ETHYLMALONIC-ADIPICACIDURIA; GA II; Glutaric acidemia type II; GA 2; Glutaric Acidemia type 2. Identifiers: Orphanet 26791, MedGen C0268596, MONDO:0009282, OMIM 231680.

Allele frequency attached by ClinVar (database versions not stated): gnomAD 0.00001; TOPMed 0.00001; gnomAD exomes 0.00005; ExAC 0.00007; ESP Exome Variant Server 0.00008.

Submissions (2):

Labcorp Genetics (formerly Invitae), Labcorp
Classification: Uncertain significance for Multiple acyl-CoA dehydrogenase deficiency. Last evaluated: 2025-12-21. Review status: criteria provided, single submitter. Criteria: Invitae Variant Classification Sherloc (09022015). Collection method: clinical testing. Allele origin: germline.
Comment: This sequence change replaces threonine, which is neutral and polar, with methionine, which is neutral and non-polar, at codon 31 of the ETFB protein (p.Thr31Met). This variant is present in population databases (rs371751519, gnomAD 0.01%). This missense change has been observed in individual(s) with clinical features of multiple acyl-CoA dehydrogenase deficiency (PMID: 36964972). This variant is also known as c.365C>T (p.Thr122Met). ClinVar contains an entry for this variant (Variation ID: 1425103). Invitae Evidence Modeling of protein sequence and biophysical properties (such as structural, functional, and spatial information, amino acid conservation, physicochemical variation, residue mobility, and thermodynamic stability) has been performed for this missense variant. However, the output from this modeling did not meet the statistical confidence thresholds required to predict the impact of this variant on ETFB protein function. In summary, the available evidence is currently insufficient to determine the role of this variant in disease. Therefore, it has been classified as a Variant of Uncertain Significance.

Ambry Genetics
Classification: Uncertain significance for Inborn genetic diseases. Last evaluated: 2023-08-15. Review status: criteria provided, single submitter. Criteria: Ambry Variant Classification Scheme 2023. Collection method: clinical testing. Allele origin: germline.

Literature cited by the submitters: PubMed 36964972 (cited by Labcorp Genetics (formerly Invitae), Labcorp).

NM_001985.3(ETFB):c.92C>T (p.Thr31Met)

Gene: ETFB (electron transfer flavoprotein subunit beta; minus strand). Cytogenetic location: 19q13.41.
Variant type: single nucleotide variant.
Coding change: c.92C>T on transcript NM_001985.3 (MANE Select); coding-DNA position 92, C replaced by T.
Protein change: p.Thr31Met; replaces threonine 31 with methionine.
Molecular consequence: missense variant.
Genome position (GRCh38, 1-based): chr19:51,354,274, G>A on the plus strand (C>T on the coding strand, the complement: ETFB is on the minus strand). VCF-style: chr19-51354274-G-A. GRCh37 (hg19) VCF-style: chr19-51857528-G-A.
Other names: c.365C>T, p.Thr122Met (NM_001014763.1); c.92C>T (NM_001985.2); short protein forms T122M, T31M.
Identifiers: ClinVar variation 1425103 (VCV001425103.9), dbSNP rs371751519, ClinGen allele CA9610866.